The following is an entry in ClinVar:

NM_005120.3(MED12):c.2791C>T (p.Arg931Trp)

Gene: MED12 (mediator complex subunit 12; plus strand). Cytogenetic location: Xq13.1.
Variant type: single nucleotide variant.
Coding change: c.2791C>T on transcript NM_005120.3 (MANE Select); coding-DNA position 2791, C replaced by T.
Protein change: p.Arg931Trp; replaces arginine 931 with tryptophan.
Molecular consequence: missense variant.
Genome position (GRCh38, 1-based): chrX:71,127,074, C>T. VCF-style: chrX-71127074-C-T. GRCh37 (hg19) VCF-style: chrX-70346924-C-T.
Other names: short protein forms R931W.
Identifiers: ClinVar variation 1302487 (VCV001302487.3), dbSNP rs2147798245, ClinGen allele CA413516246.

ClinVar aggregate classification (germline): Uncertain significance (1 of 4 stars; one submission).

gnomAD v4.1: 5 of 1,211,507 alleles (0.00041%); highest among the groups gnomAD compares: Non-Finnish European, 0.00056%; no homozygotes.

Submission:

GeneDx
Classification: Uncertain significance. Last evaluated: 2024-02-06. Review status: criteria provided, single submitter. Criteria: GeneDx Variant Classification Process June 2021. Collection method: clinical testing. Allele origin: germline. Affected: yes.
Comment: Not observed at significant frequency in large population cohorts (gnomAD); In silico analysis supports that this missense variant has a deleterious effect on protein structure/function; Has not been previously published as pathogenic or benign to our knowledge